The following is an entry in ClinVar:

NM_001042424.3(NSD2):c.793C>T (p.Gln265Ter)

Gene: NSD2 (nuclear receptor binding SET domain protein 2; plus strand). Cytogenetic location: 4p16.3.
Variant type: single nucleotide variant.
Coding change: c.793C>T on transcript NM_001042424.3 (MANE Select); coding-DNA position 793, C replaced by T.
Protein change: p.Gln265Ter; replaces glutamine 265 with a stop codon.
Molecular consequence: nonsense.
Genome position (GRCh38, 1-based): chr4:1,916,903, C>T. VCF-style: chr4-1916903-C-T. GRCh37 (hg19) VCF-style: chr4-1918630-C-T.
Other names: c.793C>T, p.Gln265Ter (NM_007331.2, NM_133330.3, NM_133331.3 and 2 more transcripts); short protein forms Q265*.
Identifiers: ClinVar variation 599449 (VCV000599449.6), dbSNP rs1560635105, ClinGen allele CA356001347.
Genomic context (GRCh38, chr4:1,916,903, plus strand): 5'-TTCTCTAACATTTTATTTTAAAAACTAGGTCAGAAAAAGAGTGCACGCCAGTATCACGTA[C>T]AGTTCTTTGGTGACGCCCCAGAAAGAGCTTGGATATTTGAGAAGAGCCTCGTAGCTTTTG-3'

ClinVar aggregate classification (germline): Pathogenic. Review status: criteria provided, single submitter (1 of 4 stars). 2 submissions from 1 submitter: Pathogenic (2). Last evaluated 2018-11-15.

Conditions:
4p partial monosomy syndrome (WHS). Also called: WITTWER SYNDROME; PITT SYNDROME; Wolf-Hirschhorn syndrome; CHROMOSOME 4p16.3 DELETION SYNDROME. Identifiers: Orphanet 280, MedGen C1956097, MONDO:0008684, OMIM 194190.
Wolf-Hirschhorn like syndrome.

Submissions (2):

Institute for Genomic Medicine (IGM) Clinical Laboratory, Nationwide Children's Hospital
Classification: Pathogenic for Wolf-Hirschhorn syndrome. Last evaluated: 2018-11-15. Review status: criteria provided, single submitter. Criteria: ACMG Guidelines, 2015. Collection method: clinical testing. Allele origin: germline. Affected: yes.
Comment: [ACMG/AMP: PVS1, PS2, PM2] This alteration is a null variant in a gene where LOF is a known mechanism of disease [PVS1], is de novo in origin as it was not detected in the submitted parental specimens (identity confirmed) [PS2], is absent from or rarely observed in large-scale population databases [PM2].

Institute for Genomic Medicine (IGM) Clinical Laboratory, Nationwide Children's Hospital
Classification: Pathogenic for Wolf-Hirschhorn like syndrome. Last evaluated: 2018-10-30. Review status: criteria provided, single submitter. Criteria: ACMG Guidelines, 2015. Collection method: clinical testing. Allele origin: germline. Affected: yes.
Comment: PVS1, PS2, PM2; This variant introduces a nonsense change in the coding sequence of the NSD2 gene (previously known as WHSC1)(OMIM: 602952), which leads to premature termination codon in a gene where loss of function is a known mechanism of disease [ACMG: PVS1](PMIDs: 29892088, 29760529, 11252005, 30345613). Sanger sequencing confirmed this to be a de novo alteration, as it was not detected in the submitted parental specimens (identity confirmed)[ACMG: PS2]. This previously undescribed alteration is absent from the Genome Aggregation Database (gnomAD; r2.0.2)[ACMG: PM2]. No evidence was found to support any of the ACMG Benign criteria; therefore, this alteration meets ACMG guidelines for classification as a pathogenic variant.

Literature cited by the submitters: PubMed 29892088; PubMed 29760529; PubMed 11252005; PubMed 30345613.